The following is an entry in ClinVar:

NM_000334.4(SCN4A):c.4301C>A (p.Ser1434Tyr)

Genes: GH-LCR (growth hormone locus control region; plus strand), SCN4A (sodium voltage-gated channel alpha subunit 4; minus strand). Cytogenetic location: 17q23.3.
Variant type: single nucleotide variant.
Coding change: c.4301C>A on transcript NM_000334.4 (MANE Select); coding-DNA position 4301, C replaced by A.
Protein change: p.Ser1434Tyr; replaces serine 1434 with tyrosine.
Molecular consequence: missense variant.
Genome position (GRCh38, 1-based): chr17:63,941,981, G>T on the plus strand (C>A on the coding strand, the complement: SCN4A is on the minus strand). VCF-style: chr17-63941981-G-T. GRCh37 (hg19) VCF-style: chr17-62019341-G-T.
Other names: short protein forms S1434Y.
Identifiers: ClinVar variation 965335 (VCV000965335.10), dbSNP rs1908553663, ClinGen allele CA400616277.

ClinVar aggregate classification (germline): Uncertain significance (1 of 4 stars; one submission).

Conditions:
Hyperkalemic periodic paralysis. Also called: Familial hyperkalemic periodic paralysis; Gamstorp disease. Identifiers: Orphanet 682, MedGen C0238357, MONDO:0008224, OMIM 170500, HP:0007215.

gnomAD v4.1: 1 of 1,575,960 alleles (0.000063%); no homozygotes.

Submission:

Labcorp Genetics (formerly Invitae), Labcorp
Classification: Uncertain significance for Hyperkalemic periodic paralysis. Last evaluated: 2022-09-01. Review status: criteria provided, single submitter. Criteria: Invitae Variant Classification Sherloc (09022015). Collection method: clinical testing. Allele origin: germline.
Comment: Algorithms developed to predict the effect of missense changes on protein structure and function (SIFT, PolyPhen-2, Align-GVGD) all suggest that this variant is likely to be disruptive. In summary, the available evidence is currently insufficient to determine the role of this variant in disease. Therefore, it has been classified as a Variant of Uncertain Significance. This variant disrupts the p.Ser1434 amino acid residue in SCN4A. Other variant(s) that disrupt this residue have been determined to be pathogenic (PMID: 23771340, 29111379; Invitae). This suggests that this residue is clinically significant, and that variants that disrupt this residue are likely to be disease-causing. ClinVar contains an entry for this variant (Variation ID: 965335). This variant has not been reported in the literature in individuals affected with SCN4A-related conditions. This variant is not present in population databases (gnomAD no frequency). This sequence change replaces serine, which is neutral and polar, with tyrosine, which is neutral and polar, at codon 1434 of the SCN4A protein (p.Ser1434Tyr).

Literature cited by the submitters: PubMed 23771340; PubMed 29111379.